The following is an entry in ClinVar:

NM_004360.5(CDH1):c.1257TGG[1] (p.Gly421del)

Gene: CDH1 (cadherin 1; plus strand). Cytogenetic location: 16q22.1.
Variant type: Microsatellite.
Coding change: c.1257TGG[1] on transcript NM_004360.5 (MANE Select); one copy of the 3-base unit TGG starting at c.1257; the reference has two copies in a row; one copy, 3 bases deleted; also written c.1260_1262del.
Protein change: p.Gly421del; deletes glycine 421.
Molecular consequence: inframe deletion. On other transcripts: 5 prime UTR variant (2), intron variant (1).
Genome position (GRCh38, 1-based): chr16:68,813,435-68,813,437, TGG deleted; deleting any 3 consecutive bases within chr16:68,813,432-68,813,437 gives the same sequence; the position shown is the placement nearest the transcript's 3' end. VCF-style (leftmost placement, unchanged base first): chr16-68813431-ATGG-A. GRCh37 (hg19) VCF-style: chr16-68847334-ATGG-A.
Other names: c.1260_1262del (NM_004360.3, NM_004360.5); c.-359TGG[1] (NM_001317185.2); c.-563TGG[1] (NM_001317186.2); c.1137+1172_1137+1174del (NM_001317184.2); c.1260_1262delTGG (NM_004360.4); short protein forms G421del.
Identifiers: ClinVar variation 463704 (VCV000463704.24), dbSNP rs775730054, ClinGen allele CA8130026.

ClinVar aggregate classification (germline): Conflicting classifications of pathogenicity. Review status: criteria provided, conflicting classifications (1 of 4 stars). 8 submissions from 8 submitters: Uncertain significance (7); Likely benign (1). Last evaluated 2026-08-01.

Conditions:
CDH1-related disorder. Also called: CDH1-related condition.
Hereditary cancer-predisposing syndrome. Also called: Hereditary neoplastic syndrome; Tumor predisposition; Neoplastic Syndromes, Hereditary; Hereditary Cancer Syndrome. Identifiers: Orphanet 140162, MedGen C0027672, MeSH D009386, MONDO:0015356.
Hereditary diffuse gastric adenocarcinoma (HDGC). Also called: DIFFUSE GASTRIC AND LOBULAR BREAST CANCER SYNDROME. Identifiers: Orphanet 26106, MedGen C1708349, MONDO:0007648, OMIM 137215.
Familial cancer of breast. Also called: hereditary breast carcinoma; BREAST CANCER, FAMILIAL; Hereditary breast cancer. Identifiers: Orphanet 227535, MedGen C0346153, MONDO:0016419, OMIM 114480. Disease mechanism: loss of function.

Submissions (8):

CeGaT Center for Human Genetics Tuebingen
Classification: Uncertain significance. Last evaluated: 2026-08-01. Review status: criteria provided, single submitter. Criteria: CeGaT Center For Human Genetics Tuebingen Variant Classification Criteria Version 2. Collection method: clinical testing. Allele origin: germline. Affected: yes. Observed: 1 variant allele.
Comment: CDH1: PM2:Supporting, PM4:Supporting

PreventionGenetics, part of Exact Sciences
Classification: Uncertain significance for CDH1-related condition. Last evaluated: 2025-07-28. Review status: criteria provided, single submitter. Criteria: ACMG Guidelines, 2015. Collection method: clinical testing. Allele origin: germline.
Comment: The CDH1 c.1260_1262delTGG variant is predicted to result in an in-frame deletion (p.Gly421del). To our knowledge, this variant has not been reported in the literature. This variant is reported in 0.0029% of alleles in individuals of Latino descent in gnomAD and has conflicting interpretations of pathogenicity in ClinVar of uncertain significance and likely benign (Variation ID: 463704). At this time, the clinical significance of this variant is uncertain due to the absence of conclusive functional and genetic evidence.

Ambry Genetics
Classification: Uncertain significance for Hereditary cancer-predisposing syndrome. Last evaluated: 2025-04-11. Review status: criteria provided, single submitter. Criteria: Ambry Variant Classification Scheme 2023. Collection method: clinical testing. Allele origin: germline.
Comment: The c.1260_1262delTGG variant (also known as p.G421del) is located in coding exon 9 of the CDH1 gene. This variant results from an in-frame TGG deletion at nucleotide positions 1260 to 1262. This results in the in-frame deletion of a glycine at codon 421. The deleted amino acid position is poorly conserved in available vertebrate species. In addition, the in silico prediction for this alteration is inconclusive (Choi Y et al. PLoS ONE. 2012; 7(10):e46688). Since supporting evidence is limited at this time, the clinical significance of this alteration remains unclear.

Labcorp Genetics (formerly Invitae), Labcorp
Classification: Uncertain significance for Hereditary diffuse gastric adenocarcinoma. Last evaluated: 2025-01-16. Review status: criteria provided, single submitter. Criteria: Invitae Variant Classification Sherloc (09022015). Collection method: clinical testing. Allele origin: germline.
Comment: This variant, c.1260_1262del, results in the deletion of 1 amino acid(s) of the CDH1 protein (p.Gly421del), but otherwise preserves the integrity of the reading frame. This variant is present in population databases (rs775730054, gnomAD 0.003%). This variant has not been reported in the literature in individuals affected with CDH1-related conditions. ClinVar contains an entry for this variant (Variation ID: 463704). Experimental studies and prediction algorithms are not available or were not evaluated, and the functional significance of this variant is currently unknown. In summary, the available evidence is currently insufficient to determine the role of this variant in disease. Therefore, it has been classified as a Variant of Uncertain Significance.

Myriad Genetics, Inc.
Classification: Likely benign for Hereditary diffuse gastric adenocarcinoma. Last evaluated: 2024-09-18. Review status: criteria provided, single submitter. Criteria: Myriad Autosomal Dominant, Autosomal Recessive and X-Linked Classification Criteria (2023). Collection method: clinical testing. Allele origin: unknown.
Comment: This variant is considered likely benign. Homozygosity has been confirmed in one or more individuals. As homozygosity for pathogenic variants in this gene is generally assumed to result in embryonic lethality, this variant is unlikely to be pathogenic.

GeneDx
Classification: Uncertain significance. Last evaluated: 2024-01-05. Review status: criteria provided, single submitter. Criteria: GeneDx Variant Classification Process June 2021. Collection method: clinical testing. Allele origin: germline. Affected: yes.
Comment: Not observed at significant frequency in large population cohorts (gnomAD); In-frame deletion of 1 amino acid in a non-repeat region; In silico analysis supports that this variant does not alter protein structure/function; Has not been previously published as pathogenic or benign to our knowledge; This variant is associated with the following publications: (PMID: 15235021, 22850631)

Baylor Genetics
Classification: Uncertain significance for Familial cancer of breast. Last evaluated: 2023-06-22. Review status: criteria provided, single submitter. Criteria: ACMG Guidelines, 2015. Collection method: clinical testing. Allele origin: unknown.

Color Diagnostics, LLC DBA Color Health
Classification: Uncertain significance for Hereditary cancer-predisposing syndrome. Last evaluated: 2020-01-03. Review status: criteria provided, single submitter. Criteria: ACMG Guidelines, 2015. Collection method: clinical testing. Allele origin: germline.
Comment: This variant is a deletion of three nucleotides, resulting in a in-frame deletion of one amino acid from exon 9 of the CDH1 protein. Splice site prediction tools suggest that this variant may not impact RNA splicing. To our knowledge, functional studies have not been performed for this variant. This variant has not been reported in individuals affected with hereditary cancer in the literature. This variant has been identified in 2/251488 chromosomes in the general population by the Genome Aggregation Database (gnomAD). The available evidence is insufficient to determine the role of this variant in disease conclusively. Therefore, this variant is classified as a Variant of Uncertain Significance.